The following is an entry in ClinVar:

ClinVar aggregate classification (germline): Benign (1 of 4 stars; one submission).

Conditions:
Familial adenomatous polyposis 1 (FAP1). Also called: POLYPOSIS, ADENOMATOUS INTESTINAL; FAMILIAL ADENOMATOUS POLYPOSIS 1, ATTENUATED. Identifiers: MedGen C2713442, MONDO:0021056, OMIM 175100. Disease mechanism: loss of function.

Submission:

Myriad Genetics, Inc.
Classification: Benign for Familial adenomatous polyposis 1. Last evaluated: 2024-02-23. Review status: criteria provided, single submitter. Criteria: Myriad Autosomal Dominant, Autosomal Recessive and X-Linked Classification Criteria (2023). Collection method: clinical testing. Allele origin: unknown.
Comment: This variant is considered benign. This variant is a silent/synonymous amino acid change and it is not expected to impact splicing.

NM_000038.6(APC):c.453A>G (p.Glu151=)

Gene: APC (APC regulator of Wnt signaling pathway; plus strand). Cytogenetic location: 5q22.2.
Variant type: single nucleotide variant.
Coding change: c.453A>G on transcript NM_000038.6 (MANE Select); coding-DNA position 453, A replaced by G.
Protein change: p.Glu151=; no amino-acid change (glutamic acid 151 retained).
Molecular consequence: synonymous variant. On other transcripts: 5 prime UTR variant (4), non-coding transcript variant (2).
Genome position (GRCh38, 1-based): chr5:112,775,659, A>G. VCF-style: chr5-112775659-A-G. GRCh37 (hg19) VCF-style: chr5-112111356-A-G.
Other names: c.276A>G, p.Glu92= (NM_001354901.2, NM_001354905.2, NM_001407453.1 and 1 more transcripts); c.483A>G, p.Glu161= (NM_001354902.2, NM_001407446.1, NM_001127511.3 and 1 more transcripts); c.453A>G, p.Glu151= (NM_001354903.2, NM_001407447.1, NM_001407448.1 and 16 more transcripts); c.378A>G, p.Glu126= (NM_001354904.2, NM_001407451.1, NM_001354898.2); c.-583A>G (NM_001354906.2, NM_001407470.1, NM_001407471.1 and 1 more transcripts).
Identifiers: ClinVar variation 3148775 (VCV003148775.1), dbSNP rs2532412187, ClinGen allele CA445753032.